The following is an entry in ClinVar:

ClinVar aggregate classification (germline): Uncertain significance. Review status: criteria provided, multiple submitters, no conflicts (2 of 4 stars). 3 submissions from 3 submitters: Uncertain significance (3). Last evaluated 2023-06-27.

Conditions:
Familial cancer of breast. Also called: BREAST CANCER, FAMILIAL; Hereditary breast cancer; hereditary breast carcinoma. Identifiers: Orphanet 227535, MedGen C0346153, MONDO:0016419, OMIM 114480. Disease mechanism: loss of function.
Fanconi anemia complementation group J. Also called: BRIP1-Related Fanconi Anemia. Identifiers: Orphanet 84, MedGen C1836860, MONDO:0012187, OMIM 609054.
Hereditary cancer-predisposing syndrome. Also called: Neoplastic Syndromes, Hereditary; Tumor predisposition; Hereditary neoplastic syndrome; Hereditary Cancer Syndrome. Identifiers: Orphanet 140162, MedGen C0027672, MeSH D009386, MONDO:0015356.

gnomAD v4.1: 1 of 1,614,202 alleles (0.000062%); no homozygotes.

Submissions (3):

Labcorp Genetics (formerly Invitae), Labcorp
Classification: Uncertain significance for Familial cancer of breast; Fanconi anemia complementation group J. Last evaluated: 2023-06-27. Review status: criteria provided, single submitter. Criteria: Invitae Variant Classification Sherloc (09022015). Collection method: clinical testing. Allele origin: germline.
Comment: ClinVar contains an entry for this variant (Variation ID: 241655). In summary, the available evidence is currently insufficient to determine the role of this variant in disease. Therefore, it has been classified as a Variant of Uncertain Significance. An algorithm developed to predict the effect of missense changes on protein structure and function (PolyPhen-2) suggests that this variant is likely to be tolerated. This variant has not been reported in the literature in individuals affected with BRIP1-related conditions. This variant is not present in population databases (gnomAD no frequency). This sequence change replaces glutamic acid, which is acidic and polar, with glycine, which is neutral and non-polar, at codon 1097 of the BRIP1 protein (p.Glu1097Gly).

Ambry Genetics
Classification: Uncertain significance for Hereditary cancer-predisposing syndrome. Last evaluated: 2023-05-17. Review status: criteria provided, single submitter. Criteria: Ambry Variant Classification Scheme 2023. Collection method: clinical testing. Allele origin: germline.
Comment: The p.E1097G variant (also known as c.3290A>G), located in coding exon 19 of the BRIP1 gene, results from an A to G substitution at nucleotide position 3290. The glutamic acid at codon 1097 is replaced by glycine, an amino acid with similar properties. This amino acid position is poorly conserved in available vertebrate species. In addition, this alteration is predicted to be tolerated by in silico analysis. Since supporting evidence is limited at this time, the clinical significance of this alteration remains unclear.

Color Diagnostics, LLC DBA Color Health
Classification: Uncertain significance for Hereditary cancer-predisposing syndrome. Last evaluated: 2020-10-14. Review status: criteria provided, single submitter. Criteria: ACMG Guidelines, 2015. Collection method: clinical testing. Allele origin: germline.
Comment: This missense variant replaces glutamic acid with glycine at codon 1097 of the BRIP1 protein. Computational prediction suggests that this variant may not impact protein structure and function (internally defined REVEL score threshold <= 0.5, PMID: 27666373). To our knowledge, functional studies have not been reported for this variant. This variant has not been reported in individuals affected with hereditary cancer in the literature. This variant has not been identified in the general population by the Genome Aggregation Database (gnomAD). The available evidence is insufficient to determine the role of this variant in disease conclusively. Therefore, this variant is classified as a Variant of Uncertain Significance.

NM_032043.3(BRIP1):c.3290A>G (p.Glu1097Gly)

Gene: BRIP1 (BRCA1 interacting DNA helicase 1; minus strand). Cytogenetic location: 17q23.2.
Variant type: single nucleotide variant.
Coding change: c.3290A>G on transcript NM_032043.3 (MANE Select); coding-DNA position 3290, A replaced by G.
Protein change: p.Glu1097Gly; replaces glutamic acid 1097 with glycine.
Molecular consequence: missense variant.
Genome position (GRCh38, 1-based): chr17:61,683,756, T>C on the plus strand (A>G on the coding strand, the complement: BRIP1 is on the minus strand). VCF-style: chr17-61683756-T-C. GRCh37 (hg19) VCF-style: chr17-59761117-T-C.
Other names: short protein forms E1097G.
Identifiers: ClinVar variation 241655 (VCV000241655.15), dbSNP rs876658746, ClinGen allele CA10583612.